The following is an entry in ClinVar:

ClinVar aggregate classification (germline): Uncertain significance (1 of 4 stars; one submission).

Allele frequency attached by ClinVar (database versions not stated): ExAC 0.00002.
gnomAD v4.1: 4 of 1,592,044 alleles (0.00025%); highest among the groups gnomAD compares: Middle Eastern, 0.017%; no homozygotes.

Submission:

Ambry Genetics
Classification: Uncertain significance. Last evaluated: 2021-08-12. Review status: criteria provided, single submitter. Criteria: Ambry Variant Classification Scheme 2023. Collection method: clinical testing. Allele origin: germline.
Comment: The p.L818V variant (also known as c.2452C>G), located in coding exon 22 of the PRKDC gene, results from a C to G substitution at nucleotide position 2452. The leucine at codon 818 is replaced by valine, an amino acid with highly similar properties. This amino acid position is conserved. In addition, this alteration is predicted to be tolerated by in silico analysis. Since supporting evidence is limited at this time, the clinical significance of this alteration remains unclear.

NM_006904.7(PRKDC):c.2452C>G (p.Leu818Val)

Gene: PRKDC (protein kinase, DNA-activated, catalytic subunit; minus strand). Cytogenetic location: 8q11.21.
Variant type: single nucleotide variant.
Coding change: c.2452C>G on transcript NM_006904.7 (MANE Select); coding-DNA position 2452, C replaced by G.
Protein change: p.Leu818Val; replaces leucine 818 with valine.
Molecular consequence: missense variant.
Genome position (GRCh38, 1-based): chr8:47,918,351, G>C on the plus strand (C>G on the coding strand, the complement: PRKDC is on the minus strand). VCF-style: chr8-47918351-G-C. GRCh37 (hg19) VCF-style: chr8-48830911-G-C.
Other names: c.2452C>G, p.Leu818Val (NM_001081640.2); short protein forms L818V.
Identifiers: ClinVar variation 1791509 (VCV001791509.2), dbSNP rs757882531, ClinGen allele CA4741447.